The following is an entry in ClinVar:

NM_003839.4(TNFRSF11A):c.33G>C (p.Leu11=)

Genes: TNFRSF11A (TNF receptor superfamily member 11a; plus strand), LOC130062628 (ATAC-STARR-seq lymphoblastoid silent region 9505; plus strand). Cytogenetic location: 18q21.33.
Variant type: single nucleotide variant.
Coding change: c.33G>C on transcript NM_003839.4 (MANE Select); coding-DNA position 33, G replaced by C.
Protein change: p.Leu11=; no amino-acid change (leucine 11 retained).
Molecular consequence: synonymous variant.
Genome position (GRCh38, 1-based): chr18:62,325,385, G>C. VCF-style: chr18-62325385-G-C. GRCh37 (hg19) VCF-style: chr18-59992618-G-C.
Other names: c.33G>C, p.Leu11= (NM_001270949.2, NM_001270950.2, NM_001270951.2 and 1 more transcripts).
Identifiers: ClinVar variation 890490 (VCV000890490.16), dbSNP rs369418441, ClinGen allele CA301715053.
Genomic context (GRCh38, chr18:62,325,385, plus strand): 5'-CGCGGCGCCCGCCAGCCTGTCCCGCGCCATGGCCCCGCGCGCCCGGCGGCGCCGCCCGCT[G>C]TTCGCGCTGCTGCTGCTCTGCGCGCTGCTCGCCCGGCTGCAGGTAAGGAGCGCCCGCGCC-3'
Protein context (NP_003830.1, residues 1-21): MAPRARRRRP[Leu11=]FALLLLCALL

ClinVar aggregate classification (germline): Conflicting classifications of pathogenicity. Review status: criteria provided, conflicting classifications (1 of 4 stars). 4 submissions from 3 submitters: Uncertain significance (2); Likely benign (2). Last evaluated 2025-12-01.

Conditions:
Autosomal recessive osteopetrosis 7. Identifiers: Orphanet 178389, MedGen C2676766, MONDO:0012859, OMIM 612301.
Paget disease of bone 2, early-onset (PDB2). Also called: Paget disease of bone 2. Identifiers: MedGen C4085251, MONDO:0011183, OMIM 602080.

Allele frequency attached by ClinVar (database versions not stated): gnomAD exomes below 0.00001; gnomAD 0.00001; TOPMed 0.00002.
gnomAD v4.1: 8 of 1,109,896 alleles (0.00072%); highest among the groups gnomAD compares: East Asian, 0.017%; no homozygotes.

Submissions (4):

CeGaT Center for Human Genetics Tuebingen
Classification: Likely benign. Last evaluated: 2025-12-01. Review status: criteria provided, single submitter. Criteria: CeGaT Center For Human Genetics Tuebingen Variant Classification Criteria Version 2. Collection method: clinical testing. Allele origin: germline. Affected: yes. Observed: 1 variant allele.
Comment: TNFRSF11A: BP4, BP7

Labcorp Genetics (formerly Invitae), Labcorp
Classification: Likely benign. Last evaluated: 2025-06-09. Review status: criteria provided, single submitter. Criteria: Invitae Variant Classification Sherloc (09022015). Collection method: clinical testing. Allele origin: germline.

Illumina Laboratory Services, Illumina
Classification: Uncertain significance for Autosomal recessive osteopetrosis 7. Last evaluated: 2017-04-27. Review status: criteria provided, single submitter. Criteria: ICSL Variant Classification Criteria 13 December 2019. Collection method: clinical testing. Allele origin: germline.

Illumina Laboratory Services, Illumina
Classification: Uncertain significance for Paget disease of bone 2, early-onset. Last evaluated: 2017-04-27. Review status: criteria provided, single submitter. Criteria: ICSL Variant Classification Criteria 13 December 2019. Collection method: clinical testing. Allele origin: germline.